The following is an entry in ClinVar:

ClinVar aggregate classification (germline): Likely pathogenic (1 of 4 stars; one submission).

Conditions:
Autosomal recessive Alport syndrome (ATS2). Also called: ALPORT SYNDROME 2, AUTOSOMAL RECESSIVE; COL4A4 Alport Syndrome and Thin Basement Membrane Nephropathy; COL4A3-Related Nephropathy; Alport syndrome type 2. Identifiers: Orphanet 63, Orphanet 88919, MedGen C4746745, MONDO:0008762, OMIM 203780.

Submission:

MVZ Medizinische Genetik Mainz
Classification: Likely pathogenic for Autosomal recessive Alport syndrome. Last evaluated: 2023-08-07. Review status: criteria provided, single submitter. Criteria: UK Practice Guidelines For Variant Classification V4 01 2020. Collection method: clinical testing. Allele origin: germline. Inheritance: Autosomal dominant inheritance. Observed: 1 variant allele.
Comment: ACMG Criteria: PM1_STR,PM2_SUP,PP3,PP4

NM_000092.5(COL4A4):c.4279G>A (p.Gly1427Arg)

Gene: COL4A4 (collagen type IV alpha 4 chain; minus strand). Cytogenetic location: 2q36.3.
Variant type: single nucleotide variant.
Coding change: c.4279G>A on transcript NM_000092.5 (MANE Select); coding-DNA position 4279, G replaced by A.
Protein change: p.Gly1427Arg; replaces glycine 1427 with arginine.
Molecular consequence: missense variant.
Genome position (GRCh38, 1-based): chr2:227,012,235, C>T on the plus strand (G>A on the coding strand, the complement: COL4A4 is on the minus strand). VCF-style: chr2-227012235-C-T. GRCh37 (hg19) VCF-style: chr2-227876951-C-T.
Other names: short protein forms G1427R.
Identifiers: ClinVar variation 3066160 (VCV003066160.1), dbSNP rs2472735253, ClinGen allele CA350836488.
Genomic context (GRCh38, chr2:227,012,235, plus strand): 5'-CTCTACCTGGTCCTCCAGGGTAGCCGTCTTCTCCTGTGTCACCTTTACGTCCGGGAGGCC[C>T]AGGAGACCCAGGGACGCCATCCACACCCCTCCTGCCATCCAGCCCAGGCTCTCCTTTGCA-3'
Protein context (NP_000083.3, residues 1417-1437): RGVDGVPGSP[Gly1427Arg]PPGRKGDTGE